The following is an entry in ClinVar:

NM_007059.4(KPTN):c.7G>A (p.Gly3Arg)

Genes: KPTN (kaptin, actin binding protein; minus strand), LOC130064810 (ATAC-STARR-seq lymphoblastoid active region 14865; plus strand). Cytogenetic location: 19q13.32.
Variant type: single nucleotide variant.
Coding change: c.7G>A on transcript NM_007059.4 (MANE Select); coding-DNA position 7, G replaced by A.
Protein change: p.Gly3Arg; replaces glycine 3 with arginine.
Molecular consequence: missense variant. On other transcripts: non-coding transcript variant (1).
Genome position (GRCh38, 1-based): chr19:47,484,154, C>T on the plus strand (G>A on the coding strand, the complement: KPTN is on the minus strand). VCF-style: chr19-47484154-C-T. GRCh37 (hg19) VCF-style: chr19-47987411-C-T.
Other names: c.7G>A, p.Gly3Arg (NM_001291296.2); c.7G>A (NM_007059.2); short protein forms G3R.
Identifiers: ClinVar variation 499656 (VCV000499656.13), dbSNP rs549545571, ClinGen allele CA9540580.

ClinVar aggregate classification (germline): Uncertain significance. Review status: criteria provided, multiple submitters, no conflicts (2 of 4 stars). 3 submissions from 3 submitters: Uncertain significance (3). Last evaluated 2025-04-21.

Conditions:
Macrocephaly-developmental delay syndrome (MRT41). Also called: INTELLECTUAL DEVELOPMENTAL DISORDER, AUTOSOMAL RECESSIVE 41. Identifiers: Orphanet 397612, MedGen C3810225, MONDO:0014289, OMIM 615637.
Inborn genetic diseases. Identifiers: MedGen C0950123, MeSH D030342.

Allele frequency attached by ClinVar (database versions not stated): TOPMed 0.00005; gnomAD 0.00006; 1000 Genomes Project 30x 0.00016; 1000 Genomes Project 0.00020.

Submissions (3):

Labcorp Genetics (formerly Invitae), Labcorp
Classification: Uncertain significance for Macrocephaly-developmental delay syndrome. Last evaluated: 2025-04-21. Review status: criteria provided, single submitter. Criteria: Invitae Variant Classification Sherloc (09022015). Collection method: clinical testing. Allele origin: germline.
Comment: This sequence change replaces glycine, which is neutral and non-polar, with arginine, which is basic and polar, at codon 3 of the KPTN protein (p.Gly3Arg). This variant is present in population databases (rs549545571, gnomAD 0.04%). This variant has not been reported in the literature in individuals affected with KPTN-related conditions. ClinVar contains an entry for this variant (Variation ID: 499656). An algorithm developed to predict the effect of missense changes on protein structure and function (PolyPhen-2) suggests that this variant is likely to be disruptive. In summary, the available evidence is currently insufficient to determine the role of this variant in disease. Therefore, it has been classified as a Variant of Uncertain Significance.

Ambry Genetics
Classification: Uncertain significance for Inborn genetic diseases. Last evaluated: 2025-03-28. Review status: criteria provided, single submitter. Criteria: Ambry Variant Classification Scheme 2023. Collection method: clinical testing. Allele origin: germline.

Eurofins Ntd Llc (ga)
Classification: Uncertain significance. Last evaluated: 2017-01-04. Review status: criteria provided, single submitter. Criteria: EGL Classification Definitions 2015. Collection method: clinical testing. Allele origin: germline. Observed: 3 variant alleles, 3 heterozygotes.